The following is an entry in ClinVar:

NM_153209.4(KIF19):c.2511A>C (p.Leu837=)

Gene: KIF19 (kinesin family member 19; plus strand). Cytogenetic location: 17q25.1.
Variant type: single nucleotide variant.
Coding change: c.2511A>C on transcript NM_153209.4 (MANE Select); coding-DNA position 2511, A replaced by C.
Protein change: p.Leu837=; no amino-acid change (leucine 837 retained).
Molecular consequence: synonymous variant.
Genome position (GRCh38, 1-based): chr17:74,354,364, A>C. VCF-style: chr17-74354364-A-C. GRCh37 (hg19) VCF-style: chr17-72350503-A-C.
Identifiers: ClinVar variation 4873838 (VCV004873838.2).
Genomic context (GRCh38, chr17:74,354,364, plus strand): 5'-GGGCGACGATGCGCGGCCACCAGGCCCACTGGCCTGCAAGCGGCCGCCCAGCCCCACACT[A>C]CAGCATGCTGCCAGTGAGGACAACCTGTCCAGCAGCACGGGCGAGGCCCCGTCCCGGGCA-3'
Protein context (NP_694941.2, residues 827-847): LACKRPPSPT[Leu837=]QHAASEDNLS

ClinVar aggregate classification (germline): Likely benign (1 of 4 stars; one submission).

Submission:

CeGaT Center for Human Genetics Tuebingen
Classification: Likely benign. Last evaluated: 2026-05-01. Review status: criteria provided, single submitter. Criteria: CeGaT Center For Human Genetics Tuebingen Variant Classification Criteria Version 2. Collection method: clinical testing. Allele origin: germline. Affected: yes. Observed: 1 variant allele.
Comment: KIF19: PM2:Supporting, BP4, BP7